The following is an entry in ClinVar:

ClinVar aggregate classification (germline): Likely benign. Review status: criteria provided, multiple submitters, no conflicts (2 of 4 stars). 4 submissions from 4 submitters: Likely benign (4). Last evaluated 2026-01-12.

Conditions:
Hereditary cancer-predisposing syndrome. Also called: Tumor predisposition; Neoplastic Syndromes, Hereditary; Hereditary neoplastic syndrome; Hereditary Cancer Syndrome. Identifiers: Orphanet 140162, MedGen C0027672, MeSH D009386, MONDO:0015356.
Peutz-Jeghers syndrome (PJS). Also called: Peutz-Jeghers polyposis; Periorificial lentiginosis syndrome; POLYPOSIS, HAMARTOMATOUS INTESTINAL; POLYPS-AND-SPOTS SYNDROME. Identifiers: Orphanet 2869, MedGen C0031269, MeSH D010580, MONDO:0008280, OMIM 175200.

Allele frequency attached by ClinVar (database versions not stated): TOPMed below 0.00001; gnomAD 0.00001; gnomAD exomes 0.00002.
gnomAD v4.1: 24 of 1,593,272 alleles (0.0015%); highest among the groups gnomAD compares: Non-Finnish European, 0.002%; no homozygotes.

Submissions (4):

Labcorp Genetics (formerly Invitae), Labcorp
Classification: Likely benign for Peutz-Jeghers syndrome. Last evaluated: 2026-01-12. Review status: criteria provided, single submitter. Criteria: Invitae Variant Classification Sherloc (09022015). Collection method: clinical testing. Allele origin: germline.

Blueprint Genetics
Classification: Likely benign. Last evaluated: 2024-04-08. Review status: criteria provided, single submitter. Criteria: ACMG Guidelines, 2015. Collection method: clinical testing. Allele origin: germline.

Color Diagnostics, LLC DBA Color Health
Classification: Likely benign for Hereditary cancer-predisposing syndrome. Last evaluated: 2016-08-01. Review status: criteria provided, single submitter. Criteria: ACMG Guidelines, 2015. Collection method: clinical testing. Allele origin: germline.

GeneDx
Classification: Likely benign. Last evaluated: 2016-06-16. Review status: criteria provided, single submitter. Criteria: GeneDx Variant Classification (06012015). Collection method: clinical testing. Allele origin: germline. Affected: yes.
Comment: This variant is considered likely benign or benign based on one or more of the following criteria: it is a conservative change, it occurs at a poorly conserved position in the protein, it is predicted to be benign by multiple in silico algorithms, and/or has population frequency not consistent with disease.

NM_000455.5(STK11):c.862+20G>T

Gene: STK11 (serine/threonine kinase 11; plus strand). Cytogenetic location: 19p13.3.
Variant type: single nucleotide variant.
Coding change: c.862+20G>T on transcript NM_000455.5 (MANE Select); 20 bases into the intron after coding-DNA position 862, G replaced by T.
Molecular consequence: intron variant.
Genome position (GRCh38, 1-based): chr19:1,221,360, G>T. VCF-style: chr19-1221360-G-T. GRCh37 (hg19) VCF-style: chr19-1221359-G-T.
Identifiers: ClinVar variation 387036 (VCV000387036.12), dbSNP rs1057522675, ClinGen allele CA16607692.
Genomic context (GRCh38, chr19:1,221,360, plus strand): 5'-CCCGGGCGACTGTGGCCCCCCGCTCTCTGACCTGCTGAAAGGTGGGAGCCTCATCCCTCT[G>T]CCCGCAGCCCCAGGGAGGCGGGGCTTTTGTGCAGAAATGTAGGGTTGGGGGTGTCAGGTG-3'